The following is an entry in ClinVar:

ClinVar aggregate classification (germline): Uncertain significance (1 of 4 stars; one submission).

Submission:

GeneDx
Classification: Uncertain significance. Last evaluated: 2025-07-16. Review status: criteria provided, single submitter. Criteria: GeneDx Variant Classification Process June 2021. Collection method: clinical testing. Allele origin: germline. Affected: yes.
Comment: Not observed at significant frequency in large population cohorts (gnomAD); In silico analysis suggests that this missense variant does not alter protein structure/function; Has not been previously published as pathogenic or benign to our knowledge

NM_022841.7(RFX7):c.3793G>C (p.Val1265Leu)

Gene: RFX7 (regulatory factor X7; minus strand). Cytogenetic location: 15q21.3.
Variant type: single nucleotide variant.
Coding change: c.3793G>C on transcript NM_022841.7 (MANE Select); coding-DNA position 3793, G replaced by C.
Protein change: p.Val1265Leu; replaces valine 1265 with leucine.
Molecular consequence: missense variant.
Genome position (GRCh38, 1-based): chr15:56,093,935, C>G on the plus strand (G>C on the coding strand, the complement: RFX7 is on the minus strand). VCF-style: chr15-56093935-C-G. GRCh37 (hg19) VCF-style: chr15-56386133-C-G.
Other names: c.3502G>C, p.Val1168Leu (NM_001368073.2, NM_001368074.1, NM_001370554.1); c.3793G>C, p.Val1265Leu (NM_001370561.1); short protein forms V1168L, V1265L.
Identifiers: ClinVar variation 4686510 (VCV004686510.1).